The following is an entry in ClinVar:

NM_007294.4(BRCA1):c.87G>A (p.Glu29=)

Gene: BRCA1 (BRCA1 DNA repair associated; minus strand). Cytogenetic location: 17q21.31.
Variant type: single nucleotide variant.
Coding change: c.87G>A on transcript NM_007294.4 (MANE Select); coding-DNA position 87, G replaced by A.
Protein change: p.Glu29=; no amino-acid change (glutamic acid 29 retained).
Molecular consequence: synonymous variant. On other transcripts: 5 prime UTR variant (132), intron variant (41).
Genome position (GRCh38, 1-based): chr17:43,115,773, C>T on the plus strand (G>A on the coding strand, the complement: BRCA1 is on the minus strand). VCF-style: chr17-43115773-C-T. GRCh37 (hg19) VCF-style: chr17-41267790-C-T.
Other names: c.87G>A, p.Glu29= (NM_001407645.1, NM_001407646.1, NM_001407647.1 and 192 more transcripts); c.-171G>A (NM_001407694.1, NM_001407696.1, NM_001407724.1 and 13 more transcripts); c.-175G>A (NM_001407695.1, NM_001408465.1); c.-55G>A (NM_001407697.1, NM_001407725.1, NM_001407728.1 and 47 more transcripts); c.-51G>A (NM_001407841.1); c.-102G>A (NM_001407853.1, NM_001407879.1, NM_001407882.1 and 52 more transcripts); c.-218G>A (NM_001407889.1, NM_001407900.1, NM_001408492.1); c.-217G>A (NM_001407960.1, NM_001407962.1, NM_001408510.1 and 1 more transcripts); and 10 more.
Identifiers: ClinVar variation 762465 (VCV000762465.15), dbSNP rs1343667553, ClinGen allele CA500130089.

ClinVar aggregate classification (germline): Likely benign. Review status: criteria provided, multiple submitters, no conflicts (2 of 4 stars). 2 submissions from 2 submitters: Likely benign (2). Last evaluated 2023-08-28.

Conditions:
Hereditary breast ovarian cancer syndrome. Also called: BRCA1- and BRCA2-Associated Hereditary Breast and Ovarian Cancer; Hereditary breast and ovarian cancer syndrome (HBOC); Hereditary breast and ovarian cancer syndrome; Breast and ovarian cancer; Hereditary breast and ovarian cancer; Hereditary breast and/or ovarian cancer syndrome. Identifiers: Orphanet 145, MedGen C0677776, MeSH D061325, MONDO:0003582. Disease mechanism: loss of function.

Allele frequency attached by ClinVar (database versions not stated): TOPMed below 0.00001.

Submissions (3):

Blueprint Genetics
Classification: Likely benign. Last evaluated: 2023-08-28. Review status: criteria provided, single submitter. Criteria: ACMG Guidelines, 2015. Collection method: clinical testing. Allele origin: germline.

Labcorp Genetics (formerly Invitae), Labcorp
Classification: Likely benign for Hereditary breast ovarian cancer syndrome. Last evaluated: 2023-07-03. Review status: criteria provided, single submitter. Criteria: Invitae Variant Classification Sherloc (09022015). Collection method: clinical testing. Allele origin: germline.

Brotman Baty Institute, University of Washington
No classification provided (evidence only). Condition: Breast-ovarian cancer, familial 1. Review status: no classification provided. Collection method: in vitro. Allele origin: not applicable. Functional consequence: functionally_normal. Not counted in ClinVar's aggregate classification.
ClinVar note: "not provided" was previously submitted as the classification for the variant. However, the classification appeared to be based only on an observation of functional data so it was converted to no classification on 2025-07-30.